The following is an entry in ClinVar:

ClinVar aggregate classification (germline): Likely benign (1 of 4 stars; one submission).

Allele frequency attached by ClinVar (database versions not stated): 1000 Genomes Project 0.00280; 1000 Genomes Project 30x 0.00328; TOPMed 0.00519; gnomAD 0.00691; gnomAD exomes 0.00959; ExAC 0.02844.
gnomAD v4.1: 12,760 of 1,389,104 alleles (0.92%); highest among the groups gnomAD compares: Non-Finnish European, 1%; 86 homozygotes.

Submission:

CeGaT Center for Human Genetics Tuebingen
Classification: Likely benign. Last evaluated: 2024-04-01. Review status: criteria provided, single submitter. Criteria: CeGaT Center For Human Genetics Tuebingen Variant Classification Criteria Version 2. Collection method: clinical testing. Allele origin: germline. Affected: yes. Observed: 3 variant alleles.
Comment: CABLES1: PP2, BS2

NM_001100619.3(CABLES1):c.532G>A (p.Glu178Lys)

Genes: CABLES1 (Cdk5 and Abl enzyme substrate 1; plus strand), LOC130062266 (ATAC-STARR-seq lymphoblastoid silent region 9352; plus strand). Cytogenetic location: 18q11.2.
Variant type: single nucleotide variant.
Coding change: c.532G>A on transcript NM_001100619.3 (MANE Select); coding-DNA position 532, G replaced by A.
Protein change: p.Glu178Lys; replaces glutamic acid 178 with lysine.
Molecular consequence: missense variant. On other transcripts: intron variant (1).
Genome position (GRCh38, 1-based): chr18:23,136,294, G>A. VCF-style: chr18-23136294-G-A. GRCh37 (hg19) VCF-style: chr18-20716258-G-A.
Other names: c.-137+1624G>A (NM_001256438.1); short protein forms E178K.
Identifiers: ClinVar variation 2648619 (VCV002648619.24), dbSNP rs200098768, ClinGen allele CA8910483.